The following is an entry in ClinVar:

ClinVar aggregate classification (germline): Benign. Review status: criteria provided, single submitter (1 of 4 stars). 2 submissions from 2 submitters: Benign (1). 1 of the submissions does not count toward it. Last evaluated 2023-08-25.

Conditions:
Congenital myasthenic syndrome 8. Also called: MYASTHENIC SYNDROME, CONGENITAL, DUE TO AGRIN DEFICIENCY; Myasthenic syndrome, congenital, 8, with pre- and postsynaptic defects. Identifiers: Orphanet 590, MedGen C3808739, MONDO:0014052, OMIM 615120.
AGRN-related disorder. Also called: AGRN-related condition.

Allele frequency attached by ClinVar (database versions not stated): gnomAD below 0.00001 and 0.00010; TOPMed below 0.00001; 1000 Genomes Project 0.00060; 1000 Genomes Project 30x 0.00062.
gnomAD v4.1: 199 of 1,610,640 alleles (0.012%); highest among the groups gnomAD compares: South Asian, 0.2%; 4 homozygotes.

Submissions (2):

Labcorp Genetics (formerly Invitae), Labcorp
Classification: Benign for Congenital myasthenic syndrome 8. Last evaluated: 2023-08-25. Review status: criteria provided, single submitter. Criteria: Invitae Variant Classification Sherloc (09022015). Collection method: clinical testing. Allele origin: germline.

PreventionGenetics, part of Exact Sciences
Classification: Likely benign for AGRN-related condition. Last evaluated: 2019-04-23. Review status: no assertion criteria provided. Collection method: clinical testing. Allele origin: germline. Not counted in ClinVar's aggregate classification.
Comment: This variant is classified as likely benign based on ACMG/AMP sequence variant interpretation guidelines (Richards et al. 2015 PMID: 25741868, with internal and published modifications).

NM_198576.4(AGRN):c.3039C>T (p.His1013=)

Gene: AGRN (agrin; plus strand). Cytogenetic location: 1p36.33.
Variant type: single nucleotide variant.
Coding change: c.3039C>T on transcript NM_198576.4 (MANE Select); coding-DNA position 3039, C replaced by T.
Protein change: p.His1013=; no amino-acid change (histidine 1013 retained).
Molecular consequence: synonymous variant.
Genome position (GRCh38, 1-based): chr1:1,046,524, C>T. VCF-style: chr1-1046524-C-T. GRCh37 (hg19) VCF-style: chr1-981904-C-T.
Other names: c.3039C>T, p.His1013= (NM_001305275.2); c.2724C>T, p.His908= (NM_001364727.2).
Identifiers: ClinVar variation 474112 (VCV000474112.13), dbSNP rs549843700, ClinGen allele CA508926.